The following is an entry in ClinVar:

ClinVar aggregate classification (germline): Uncertain significance (1 of 4 stars; one submission).

Conditions:
Renal cell carcinoma. Identifiers: Orphanet 217071, MedGen C0007134, MeSH D002292, MONDO:0005086, HP:0005584.

Submission:

Labcorp Genetics (formerly Invitae), Labcorp
Classification: Uncertain significance for Renal cell carcinoma. Last evaluated: 2023-02-28. Review status: criteria provided, single submitter. Criteria: Invitae Variant Classification Sherloc (09022015). Collection method: clinical testing. Allele origin: germline.
Comment: This variant is not present in population databases (gnomAD no frequency). This sequence change replaces lysine, which is basic and polar, with asparagine, which is neutral and polar, at codon 310 of the MET protein (p.Lys310Asn). In summary, the available evidence is currently insufficient to determine the role of this variant in disease. Therefore, it has been classified as a Variant of Uncertain Significance. Advanced modeling of protein sequence and biophysical properties (such as structural, functional, and spatial information, amino acid conservation, physicochemical variation, residue mobility, and thermodynamic stability) performed at Invitae indicates that this missense variant is not expected to disrupt MET protein function. This variant has not been reported in the literature in individuals affected with MET-related conditions.

NM_000245.4(MET):c.930G>T (p.Lys310Asn)

Gene: MET (MET proto-oncogene, receptor tyrosine kinase; plus strand). Cytogenetic location: 7q31.2.
Variant type: single nucleotide variant.
Coding change: c.930G>T on transcript NM_000245.4 (MANE Select); coding-DNA position 930, G replaced by T.
Protein change: p.Lys310Asn; replaces lysine 310 with asparagine.
Molecular consequence: missense variant. On other transcripts: intron variant (1).
Genome position (GRCh38, 1-based): chr7:116,700,014, G>T. VCF-style: chr7-116700014-G-T. GRCh37 (hg19) VCF-style: chr7-116340068-G-T.
Other names: c.930G>T, p.Lys310Asn (NM_001127500.3, NM_001324401.3); c.-91+27437G>T (NM_001324402.2); short protein forms K310N.
Identifiers: ClinVar variation 2841471 (VCV002841471.3), dbSNP rs2116601156, ClinGen allele CA368970171.